The following is an entry in ClinVar:

NM_001374504.1(TMPRSS6):c.-1-234T>C

Gene: TMPRSS6 (transmembrane serine protease 6; minus strand). Cytogenetic location: 22q12.3.
Variant type: single nucleotide variant.
Coding change: c.-1-234T>C on transcript NM_001374504.1 (MANE Select); 234 bases into the intron before 1 bases upstream of the start codon, T replaced by C.
Molecular consequence: intron variant. On other transcripts: 5 prime UTR variant (1).
Genome position (GRCh38, 1-based): chr22:37,103,652, A>G on the plus strand (T>C on the coding strand, the complement: TMPRSS6 is on the minus strand). VCF-style: chr22-37103652-A-G. GRCh37 (hg19) VCF-style: chr22-37499692-A-G.
Other names: c.-140T>C (NM_153609.4); c.-1-234T>C (NM_001289000.2, NM_001289001.2).
Identifiers: ClinVar variation 341606 (VCV000341606.6), dbSNP rs5756515, ClinGen allele CA10654118.
Genomic context (GRCh38, chr22:37,103,652, plus strand): 5'-TGCATCTCAGGTCAGCTCGCACCAGAGGGCAGGCACCAGAGCTGGACTGGGTCTGGCTCA[A>G]GAACCCCACCTTTGCTTCCCACTGGCTTCCCTATGGTCAGAGGACAGACGGAGGTCTCAG-3'

ClinVar aggregate classification (germline): Benign. Review status: criteria provided, multiple submitters, no conflicts (2 of 4 stars). 2 submissions from 2 submitters: Benign (2). Last evaluated 2018-01-12.

Conditions:
Microcytic anemia. Identifiers: MedGen C5194182, MONDO:0001245, HP:0001935. Disease mechanism: loss of function.

Allele frequency attached by ClinVar (database versions not stated): 1000 Genomes Project 30x 0.28295; 1000 Genomes Project 0.28474; TOPMed 0.33613; gnomAD 0.33917 and 0.34174; gnomAD exomes 0.38948.
gnomAD v4.1: 583,802 of 1,520,556 alleles (38%); highest among the groups gnomAD compares: Non-Finnish European, 41%; 114,707 homozygotes.

Submissions (2):

Illumina Laboratory Services, Illumina
Classification: Benign for Iron-refractory iron deficiency anemia. Last evaluated: 2018-01-12. Review status: criteria provided, single submitter. Criteria: ICSL Variant Classification Criteria 13 December 2019. Collection method: clinical testing. Allele origin: germline.
Comment: This variant was observed in the ICSL laboratory as part of a predisposition screen in an ostensibly healthy population. It had not been previously curated by ICSL or reported in the Human Gene Mutation Database (HGMD: prior to June 1st, 2018), and was therefore a candidate for classification through an automated scoring system. Utilizing variant allele frequency, disease prevalence and penetrance estimates, and inheritance mode, an automated score was calculated to assess if this variant is too frequent to cause the disease. Based on the score and internal cut-off values, a variant classified as benign is not then subjected to further curation. The score for this variant resulted in a classification of benign for this disease.

Breakthrough Genomics
Classification: Benign. Review status: criteria provided, single submitter. Criteria: ACMG Guidelines, 2015. Collection method: not provided. Allele origin: germline. Inheritance: Autosomal recessive inheritance. Affected: yes.